The following is an entry in ClinVar:

ClinVar aggregate classification (germline): Pathogenic/Likely pathogenic. Review status: criteria provided, multiple submitters, no conflicts (2 of 4 stars). 5 submissions from 4 submitters: Pathogenic (2); Likely pathogenic (2). 1 of the submissions does not count toward it. Last evaluated 2023-11-04.

Conditions:
Usher syndrome type 2A. Also called: RETINAL DISEASE IN USHER SYNDROME TYPE IIA, MODIFIER OF; USHER SYNDROME, TYPE IIA. Identifiers: Orphanet 231178, Orphanet 886, MedGen C1848634, MONDO:0010169, OMIM 276901.
Retinitis pigmentosa 39 (RP39). Identifiers: Orphanet 791, MedGen C3151138, MONDO:0013436, OMIM 613809.
USH2A-related disorder. Also called: USH2A-related disorders; USH2A-related condition. Identifiers: MedGen CN239332.

Submissions (5):

Genome-Nilou Lab
Classification: Likely pathogenic for Retinitis pigmentosa 39. Last evaluated: 2023-11-04. Review status: criteria provided, single submitter. Criteria: ACMG Guidelines, 2015. Collection method: clinical testing. Allele origin: germline. Affected: no.

Genome-Nilou Lab
Classification: Likely pathogenic for Usher syndrome type 2A. Last evaluated: 2023-11-04. Review status: criteria provided, single submitter. Criteria: ACMG Guidelines, 2015. Collection method: clinical testing. Allele origin: germline. Affected: no.

Labcorp Genetics (formerly Invitae), Labcorp
Classification: Pathogenic. Last evaluated: 2022-08-05. Review status: criteria provided, single submitter. Criteria: Invitae Variant Classification Sherloc (09022015). Collection method: clinical testing. Allele origin: germline.
Comment: For these reasons, this variant has been classified as Pathogenic. ClinVar contains an entry for this variant (Variation ID: 555433). This premature translational stop signal has been observed in individual(s) with Usher syndrome (PMID: 25575603). This variant is not present in population databases (gnomAD no frequency). This sequence change creates a premature translational stop signal (p.Arg5108Glyfs*6) in the USH2A gene. It is expected to result in an absent or disrupted protein product. Loss-of-function variants in USH2A are known to be pathogenic (PMID: 10729113, 10909849, 20507924, 25649381).

Blueprint Genetics
Classification: Pathogenic for USH2A-related disorders. Last evaluated: 2022-03-01. Review status: criteria provided, single submitter. Criteria: ACMG Guidelines, 2015. Collection method: clinical testing. Allele origin: germline. Affected: yes. Observed: 2 variant alleles.

Counsyl
Classification: Likely pathogenic for Usher syndrome type 2A; Retinitis pigmentosa 39. Last evaluated: 2017-12-05. Review status: no assertion criteria provided. Collection method: clinical testing. Allele origin: unknown. Not counted in ClinVar's aggregate classification.

Literature cited by the submitters: PubMed 25575603 (cited by Labcorp Genetics (formerly Invitae), Labcorp and Counsyl); PubMed 10729113 (cited by Labcorp Genetics (formerly Invitae), Labcorp); PubMed 10909849 (cited by Labcorp Genetics (formerly Invitae), Labcorp); PubMed 20507924 (cited by Labcorp Genetics (formerly Invitae), Labcorp); PubMed 25649381 (cited by Labcorp Genetics (formerly Invitae), Labcorp).

NM_206933.4(USH2A):c.15322del (p.Arg5108fs)

Gene: USH2A (usherin; minus strand). Cytogenetic location: 1q41.
Variant type: Deletion.
Coding change: c.15322del on transcript NM_206933.4 (MANE Select); coding-DNA position 15322, one base deleted (C; older notation c.15322delC).
Protein change: p.Arg5108fs; shifts the reading frame from arginine 5108.
Molecular consequence: frameshift variant.
Genome position (GRCh38, 1-based): chr1:215,629,011, G deleted on the plus strand (C on the coding strand, the reverse complement: USH2A is on the minus strand); the first of 4 consecutive G bases (chr1:215,629,011-215,629,014); deleting any one gives the same sequence. VCF-style (leftmost placement, unchanged base first): chr1-215629010-CG-C. GRCh37 (hg19) VCF-style: chr1-215802352-CG-C.
Other names: short protein forms R5108fs.
Identifiers: ClinVar variation 555433 (VCV000555433.8), dbSNP rs1553248234, ClinGen allele CA658822248.